The following is an entry in ClinVar:

ClinVar aggregate classification (germline): Likely benign. Review status: criteria provided, multiple submitters, no conflicts (2 of 4 stars). 4 submissions from 4 submitters: Likely benign (4). Last evaluated 2026-03-13.

Conditions:
KAT6B-related disorder. Also called: KAT6B-related disorders; KAT6B-related condition.
Genitopatellar syndrome (GTPTS). Also called: ABSENT PATELLAE, SCROTAL HYPOPLASIA, RENAL ANOMALIES, FACIAL DYSMORPHISM, AND MENTAL RETARDATION; Genitopatellar syndrome (GPS). Identifiers: Orphanet 85201, MedGen C1853566, MONDO:0011640, OMIM 606170.

Allele frequency attached by ClinVar (database versions not stated): TOPMed 0.00009; 1000 Genomes Project 30x 0.00016; 1000 Genomes Project 0.00020; ExAC 0.00003; ESP Exome Variant Server 0.00008; gnomAD 0.00009.
gnomAD v4.1: 23 of 1,613,974 alleles (0.0014%); highest among the groups gnomAD compares: African/African-American, 0.017%; no homozygotes.

Submissions (4):

Women's Health and Genetics/Laboratory Corporation of America, LabCorp
Classification: Likely benign. Last evaluated: 2026-03-13. Review status: criteria provided, single submitter. Criteria: LabCorp Variant Classification Summary - May 2015. Collection method: clinical testing. Allele origin: germline.

PreventionGenetics, part of Exact Sciences
Classification: Likely benign for KAT6B-related condition. Last evaluated: 2026-03-11. Review status: criteria provided, single submitter. Criteria: ACMG Guidelines, 2015. Collection method: clinical testing. Allele origin: germline.
Comment: This variant is classified as likely benign based on ACMG/AMP sequence variant interpretation guidelines (Richards et al. 2015 PMID: 25741868, with internal and published modifications).

Labcorp Genetics (formerly Invitae), Labcorp
Classification: Likely benign for Genitopatellar syndrome. Last evaluated: 2024-06-06. Review status: criteria provided, single submitter. Criteria: Invitae Variant Classification Sherloc (09022015). Collection method: clinical testing. Allele origin: germline.

Blueprint Genetics
Classification: Likely benign. Last evaluated: 2018-12-20. Review status: criteria provided, single submitter. Criteria: ACMG Guidelines, 2015. Collection method: clinical testing. Allele origin: germline.

NM_012330.4(KAT6B):c.3852C>T (p.Asp1284=)

Gene: KAT6B (lysine acetyltransferase 6B; plus strand). Cytogenetic location: 10q22.2.
Variant type: single nucleotide variant.
Coding change: c.3852C>T on transcript NM_012330.4 (MANE Select); coding-DNA position 3852, C replaced by T.
Protein change: p.Asp1284=; no amino-acid change (aspartic acid 1284 retained).
Molecular consequence: synonymous variant.
Genome position (GRCh38, 1-based): chr10:75,028,676, C>T. VCF-style: chr10-75028676-C-T. GRCh37 (hg19) VCF-style: chr10-76788434-C-T.
Other names: c.2976C>T, p.Asp992= (NM_001370142.1, NM_001256469.2, NM_001370139.1 and 2 more transcripts); c.2787C>T, p.Asp929= (NM_001370143.1, NM_001370144.1); c.3852C>T (NM_012330.3); c.3303C>T, p.Asp1101= (NM_001256468.2, NM_001370138.1); c.2814C>T, p.Asp938= (NM_001370132.1); c.2163C>T, p.Asp721= (NM_001370133.1); c.1767C>T, p.Asp589= (NM_001370134.1); c.1509C>T, p.Asp503= (NM_001370135.1); and 1 more.
Identifiers: ClinVar variation 2734979 (VCV002734979.6), dbSNP rs376367047, ClinGen allele CA5564917.
Genomic context (GRCh38, chr10:75,028,676, plus strand): 5'-GAGGAAGACCGGATTTAAACTGAATTTGTACACCCCGCCAGAAACACCCATGGAGCCTGA[C>T]GAGCAGGTAACAGTGGAAGAACAGAAGGAGACTTCAGAAGGAAAAACCAGCCCCAGTCCC-3'
Protein context (NP_036462.2, residues 1274-1294): YTPPETPMEP[Asp1284=]EQVTVEEQKE